The following is an entry in ClinVar:

ClinVar aggregate classification (germline): Uncertain significance. Review status: criteria provided, multiple submitters, no conflicts (2 of 4 stars). 2 submissions from 2 submitters: Uncertain significance (2). Last evaluated 2024-10-22.

Conditions:
Pierson syndrome. Also called: MICROCORIA-CONGENITAL NEPHROTIC SYNDROME. Identifiers: Orphanet 2670, MedGen C1836876, MONDO:0012184, OMIM 609049.
LAMB2-related infantile-onset nephrotic syndrome. Also called: Nephrotic Syndrome, type 5; NEPHROTIC SYNDROME, TYPE 5, WITHOUT OCULAR ABNORMALITIES; NEPHROTIC SYNDROME, TYPE 5, WITH OCULAR ABNORMALITIES. Identifiers: Orphanet 306507, MedGen C3280113, MONDO:0013621, OMIM 614199.

gnomAD v4.1: 14 of 1,612,496 alleles (0.00087%); highest among the groups gnomAD compares: Admixed American, 0.0017%; no homozygotes.

Submissions (2):

Labcorp Genetics (formerly Invitae), Labcorp
Classification: Uncertain significance for LAMB2-related infantile-onset nephrotic syndrome; Pierson syndrome. Last evaluated: 2024-10-22. Review status: criteria provided, single submitter. Criteria: Invitae Variant Classification Sherloc (09022015). Collection method: clinical testing. Allele origin: germline.
Comment: This sequence change replaces arginine, which is basic and polar, with glycine, which is neutral and non-polar, at codon 723 of the LAMB2 protein (p.Arg723Gly). This variant is present in population databases (rs145660751, gnomAD 0.003%). This variant has not been reported in the literature in individuals affected with LAMB2-related conditions. ClinVar contains an entry for this variant (Variation ID: 2047765). An algorithm developed to predict the effect of missense changes on protein structure and function (PolyPhen-2) suggests that this variant is likely to be tolerated. In summary, the available evidence is currently insufficient to determine the role of this variant in disease. Therefore, it has been classified as a Variant of Uncertain Significance.

Fulgent Genetics
Classification: Uncertain significance for Pierson syndrome; LAMB2-related infantile-onset nephrotic syndrome. Last evaluated: 2024-05-27. Review status: criteria provided, single submitter. Criteria: ACMG Guidelines, 2015. Collection method: clinical testing. Allele origin: germline.

NM_002292.4(LAMB2):c.2167C>G (p.Arg723Gly)

Gene: LAMB2 (laminin subunit beta 2; minus strand). Cytogenetic location: 3p21.31.
Variant type: single nucleotide variant.
Coding change: c.2167C>G on transcript NM_002292.4 (MANE Select); coding-DNA position 2167, C replaced by G.
Protein change: p.Arg723Gly; replaces arginine 723 with glycine.
Molecular consequence: missense variant.
Genome position (GRCh38, 1-based): chr3:49,126,144, G>C on the plus strand (C>G on the coding strand, the complement: LAMB2 is on the minus strand). VCF-style: chr3-49126144-G-C. GRCh37 (hg19) VCF-style: chr3-49163577-G-C.
Other names: short protein forms R723G.
Identifiers: ClinVar variation 2047765 (VCV002047765.5), dbSNP rs145660751, ClinGen allele CA2394366.